The following is an entry in ClinVar:

ClinVar aggregate classification (germline): Uncertain significance. Review status: criteria provided, multiple submitters, no conflicts (2 of 4 stars). 2 submissions from 2 submitters: Uncertain significance (2). Last evaluated 2022-08-03.

Conditions:
Giant axonal neuropathy 1 (GAN1). Also called: GIANT AXONAL NEUROPATHY 1, AUTOSOMAL RECESSIVE; GAN-Related Neurodegeneration. Identifiers: Orphanet 643, MedGen C1850386, MONDO:0009749, OMIM 256850.

gnomAD v4.1: 2 of 1,613,562 alleles (0.00012%); highest among the groups gnomAD compares: South Asian, 0.0022%; no homozygotes.

Submissions (2):

Labcorp Genetics (formerly Invitae), Labcorp
Classification: Uncertain significance for Giant axonal neuropathy 1. Last evaluated: 2022-08-03. Review status: criteria provided, single submitter. Criteria: Invitae Variant Classification Sherloc (09022015). Collection method: clinical testing. Allele origin: germline.
Comment: This variant has not been reported in the literature in individuals affected with GAN-related conditions. ClinVar contains an entry for this variant (Variation ID: 246037). Algorithms developed to predict the effect of missense changes on protein structure and function are either unavailable or do not agree on the potential impact of this missense change (SIFT: "Deleterious"; PolyPhen-2: "Probably Damaging"; Align-GVGD: "Class C0"). In summary, the available evidence is currently insufficient to determine the role of this variant in disease. Therefore, it has been classified as a Variant of Uncertain Significance. This variant is present in population databases (rs766484755, gnomAD 0.003%). This sequence change replaces valine, which is neutral and non-polar, with phenylalanine, which is neutral and non-polar, at codon 189 of the GAN protein (p.Val189Phe).

GeneDx
Classification: Uncertain significance. Last evaluated: 2017-11-07. Review status: criteria provided, single submitter. Criteria: GeneDx Variant Classification (06012015). Collection method: clinical testing. Allele origin: germline. Affected: yes.
Comment: The V189F variant has not been published as a pathogenic variant, nor has it been reported as a benign variant to our knowledge. It was not observed in approximately 6,500 individuals of European and African American ancestry in the NHLBI Exome Sequencing Project, indicating it is not a common benign variant in these populations. The V189F variant is a semi-conservative amino acid substitution, which may impact secondary protein structure as these residues differ in some properties. This substitution occurs at a position where amino acids with similar properties to Valine are tolerated across species. In silico analysis predicts this variant is probably damaging to the protein structure/function. Based on the currently available information, it is unclear whether this variant is a pathogenic variant or a rare benign variant.

NM_022041.4(GAN):c.565G>T (p.Val189Phe)

Gene: GAN (gigaxonin; plus strand). Cytogenetic location: 16q23.2.
Variant type: single nucleotide variant.
Coding change: c.565G>T on transcript NM_022041.4 (MANE Select); coding-DNA position 565, G replaced by T.
Protein change: p.Val189Phe; replaces valine 189 with phenylalanine.
Molecular consequence: missense variant. On other transcripts: 5 prime UTR variant (1).
Genome position (GRCh38, 1-based): chr16:81,354,687, G>T. VCF-style: chr16-81354687-G-T. GRCh37 (hg19) VCF-style: chr16-81388292-G-T.
Other names: c.-75G>T (NM_001377486.1); short protein forms V189F.
Identifiers: ClinVar variation 246037 (VCV000246037.7), dbSNP rs766484755, ClinGen allele CA8191393.